The following is an entry in ClinVar:

ClinVar aggregate classification (germline): Uncertain significance (1 of 4 stars; one submission).

Conditions:
Joubert syndrome 21 (JBTS21). Identifiers: MedGen C3810212, MONDO:0014288, OMIM 615636.

gnomAD v4.1: 5 of 1,567,366 alleles (0.00032%); highest among the groups gnomAD compares: Non-Finnish European, 0.00044%; no homozygotes.

Submission:

Labcorp Genetics (formerly Invitae), Labcorp
Classification: Uncertain significance for Joubert syndrome 21. Last evaluated: 2021-11-19. Review status: criteria provided, single submitter. Criteria: Invitae Variant Classification Sherloc (09022015). Collection method: clinical testing. Allele origin: germline.
Comment: In summary, the available evidence is currently insufficient to determine the role of this variant in disease. Therefore, it has been classified as a Variant of Uncertain Significance. Variants that disrupt the consensus splice site are a relatively common cause of aberrant splicing (PMID: 17576681, 9536098). Algorithms developed to predict the effect of sequence changes on RNA splicing suggest that this variant may create or strengthen a splice site. This variant has not been reported in the literature in individuals affected with CSPP1-related conditions. This variant is not present in population databases (gnomAD no frequency). This sequence change falls in intron 20 of the CSPP1 gene. It does not directly change the encoded amino acid sequence of the CSPP1 protein. It affects a nucleotide within the consensus splice site.

Literature cited by the submitters: PubMed 17576681; PubMed 9536098.

NM_001382391.1(CSPP1):c.2643+4T>G

Gene: CSPP1 (centrosome and spindle pole associated protein 1; plus strand). Cytogenetic location: 8q13.2.
Variant type: single nucleotide variant.
Coding change: c.2643+4T>G on transcript NM_001382391.1 (MANE Select); 4 bases into the intron after coding-DNA position 2643, T replaced by G.
Molecular consequence: intron variant.
Genome position (GRCh38, 1-based): chr8:67,161,919, T>G. VCF-style: chr8-67161919-T-G. GRCh37 (hg19) VCF-style: chr8-68074154-T-G.
Other names: c.2448+4T>G (NM_001363132.2); c.2562+4T>G (NM_001363131.2); c.2367+4T>G (NM_001363133.2); c.2709+4T>G (NM_001364869.1); c.2628+4T>G (NM_024790.7, NM_001438331.1); c.2475+4T>G (NM_001438330.1); c.2529+4T>G (NM_001364870.1); c.1944+4T>G (NM_001438332.1); and 1 more.
Identifiers: ClinVar variation 1442082 (VCV001442082.6), dbSNP rs748730202, ClinGen allele CA2573143231.
Genomic context (GRCh38, chr8:67,161,919, plus strand): 5'-GCAAGCAAACTCCAAAGACCTCCTTCAGTTGACAGCATCATACGTTCCTTTATTCATGTA[T>G]GTACTTTTGTTTTTATTTGTTCATCCTAGCTCAGTTATTTTGGATTGGGGGATCGAATGA-3'